The following is an entry in ClinVar:

NM_019892.6(INPP5E):c.812+7_812+11delinsT

Gene: INPP5E (inositol polyphosphate-5-phosphatase E; minus strand). Cytogenetic location: 9q34.3.
Variant type: Indel.
Coding change: c.812+7_812+11delinsT on transcript NM_019892.6 (MANE Select); bases 7 to 11 of the intron after coding-DNA position 812, AGGGC replaced by T.
Molecular consequence: intron variant.
Genome position (GRCh38, 1-based): chr9:136,438,597-136,438,601, GCCCT replaced by A on the plus strand (AGGGC replaced by T on the coding strand, the reverse complement: INPP5E is on the minus strand). VCF-style: chr9-136438597-GCCCT-A. GRCh37 (hg19) VCF-style: chr9-139333049-GCCCT-A.
Other names: c.812+7_812+11delinsT (NM_001318502.2).
Identifiers: ClinVar variation 965808 (VCV000965808.6), dbSNP rs1835891960, ClinGen allele CA1139661340.

ClinVar aggregate classification (germline): Uncertain significance (1 of 4 stars; one submission).

Conditions:
Joubert syndrome. Also called: Familial aplasia of the vermis; CEREBELLOPARENCHYMAL DISORDER IV; JOUBERT-BOLTSHAUSER SYNDROME. Identifiers: Orphanet 475, MedGen C5979921, MONDO:0018772.

Submission:

Labcorp Genetics (formerly Invitae), Labcorp
Classification: Uncertain significance for Joubert syndrome. Last evaluated: 2022-01-06. Review status: criteria provided, single submitter. Criteria: Invitae Variant Classification Sherloc (09022015). Collection method: clinical testing. Allele origin: germline.
Comment: In summary, the available evidence is currently insufficient to determine the role of this variant in disease. Therefore, it has been classified as a Variant of Uncertain Significance. Algorithms developed to predict the effect of sequence changes on RNA splicing suggest that this variant may create or strengthen a splice site. This variant has not been reported in the literature in individuals affected with INPP5E-related conditions. This variant is not present in population databases (gnomAD no frequency). This sequence change falls in intron 1 of the INPP5E gene. It does not directly change the encoded amino acid sequence of the INPP5E protein.